The following is an entry in ClinVar:

NM_033100.4(CDHR1):c.835A>G (p.Asn279Asp)

Gene: CDHR1 (cadherin related family member 1; plus strand). Cytogenetic location: 10q23.1.
Variant type: single nucleotide variant.
Coding change: c.835A>G on transcript NM_033100.4 (MANE Select); coding-DNA position 835, A replaced by G.
Protein change: p.Asn279Asp; replaces asparagine 279 with aspartic acid.
Molecular consequence: missense variant.
Genome position (GRCh38, 1-based): chr10:84,204,578, A>G. VCF-style: chr10-84204578-A-G. GRCh37 (hg19) VCF-style: chr10-85964334-A-G.
Other names: c.835A>G, p.Asn279Asp (NM_001171971.3); short protein forms N279D.
Identifiers: ClinVar variation 1501484 (VCV001501484.6), dbSNP rs2132811909, ClinGen allele CA377373430.

ClinVar aggregate classification (germline): Uncertain significance (1 of 4 stars; one submission).

Allele frequency attached by ClinVar (database versions not stated): gnomAD exomes 0.00001.
gnomAD v4.1: 4 of 1,613,716 alleles (0.00025%); highest among the groups gnomAD compares: Non-Finnish European, 0.00034%; 1 homozygote.

Submission:

Labcorp Genetics (formerly Invitae), Labcorp
Classification: Uncertain significance. Last evaluated: 2024-10-29. Review status: criteria provided, single submitter. Criteria: Invitae Variant Classification Sherloc (09022015). Collection method: clinical testing. Allele origin: germline.
Comment: This sequence change replaces asparagine, which is neutral and polar, with aspartic acid, which is acidic and polar, at codon 279 of the CDHR1 protein (p.Asn279Asp). This variant is not present in population databases (gnomAD no frequency). This variant has not been reported in the literature in individuals affected with CDHR1-related conditions. ClinVar contains an entry for this variant (Variation ID: 1501484). Invitae Evidence Modeling of protein sequence and biophysical properties (such as structural, functional, and spatial information, amino acid conservation, physicochemical variation, residue mobility, and thermodynamic stability) indicates that this missense variant is not expected to disrupt CDHR1 protein function with a negative predictive value of 80%. In summary, the available evidence is currently insufficient to determine the role of this variant in disease. Therefore, it has been classified as a Variant of Uncertain Significance.